The following is an entry in ClinVar:

ClinVar aggregate classification (germline): Uncertain significance (1 of 4 stars; one submission).

Submission:

GeneDx
Classification: Uncertain significance. Last evaluated: 2022-08-22. Review status: criteria provided, single submitter. Criteria: GeneDx Variant Classification Process June 2021. Collection method: clinical testing. Allele origin: germline. Affected: yes.
Comment: Not observed at significant frequency in large population cohorts (gnomAD); In silico analysis supports that this missense variant does not alter protein structure/function; Has not been previously published as pathogenic or benign to our knowledge

NM_001278064.2(GRM1):c.3031A>G (p.Lys1011Glu)

Gene: GRM1 (glutamate metabotropic receptor 1; plus strand). Cytogenetic location: 6q24.3.
Variant type: single nucleotide variant.
Coding change: c.3031A>G on transcript NM_001278064.2 (MANE Select); coding-DNA position 3031, A replaced by G.
Protein change: p.Lys1011Glu; replaces lysine 1011 with glutamic acid.
Molecular consequence: missense variant. On other transcripts: 3 prime UTR variant (3).
Genome position (GRCh38, 1-based): chr6:146,434,242, A>G. VCF-style: chr6-146434242-A-G. GRCh37 (hg19) VCF-style: chr6-146755378-A-G.
Other names: c.*395A>G (NM_001278065.2); c.*360A>G (NM_001278066.1); c.*269A>G (NM_001278067.1); short protein forms K1011E.
Identifiers: ClinVar variation 2430437 (VCV002430437.1), dbSNP rs2484163670, ClinGen allele CA366192892.
Genomic context (GRCh38, chr6:146,434,242, plus strand): 5'-CTGCCGTCCCACCTGACCGCAGAGGAGACCCCCCTCTTCCTGGCCGAACCAGCCCTCCCC[A>G]AGGGCTTGCCCCCTCCTCTCCAGCAGCAGCAGCAACCCCCTCCACAGCAGAAATCGCTGA-3'
Protein context (NP_001264993.1, residues 1001-1021): PLFLAEPALP[Lys1011Glu]GLPPPLQQQQ